The following is an entry in ClinVar:

ClinVar aggregate classification (germline): Likely pathogenic (1 of 4 stars; one submission).

Conditions:
Cutis laxa, autosomal recessive, type 1B (ARCL1B). Also called: EFEMP2-Related Cutis Laxa; CUTIS LAXA, AUTOSOMAL RECESSIVE, TYPE IB. Identifiers: Orphanet 90349, MedGen C3280798, MONDO:0013754, OMIM 614437. Disease mechanism: loss of function.

Submission:

Women's Health and Genetics/Laboratory Corporation of America, LabCorp
Classification: Likely pathogenic for Cutis laxa, autosomal recessive, type 1B. Last evaluated: 2023-03-22. Review status: criteria provided, single submitter. Criteria: LabCorp Variant Classification Summary - May 2015. Collection method: clinical testing. Allele origin: germline.
Comment: Variant summary: EFEMP2 c.-7-1_-7delinsAT is located in a canonical splice-site and is predicted to affect mRNA splicing resulting in a significantly altered protein due to either exon skipping, shortening, or inclusion of intronic material. Specifically, the variant affects the canonical 3'-acceptor splice-site of exon 2, which contains the initiation codon. The next in-frame methionine is located at codon 69, within exon 4. The variant was absent in 150988 control chromosomes (gnomAD, v3). To our knowledge, no occurrence of c.-7-1_-7delinsAT in individuals affected with Autosomal Recessive Cutis Laxa and no experimental evidence demonstrating its impact on protein function have been reported. No clinical diagnostic laboratories have submitted clinical-significance assessments for this variant to ClinVar after 2014. Based on the evidence outlined above, the variant was classified as likely pathogenic.

NM_016938.5(EFEMP2):c.-7-1_-7delinsAT

Gene: EFEMP2 (EGF-like fibulin extracellular matrix protein 2; minus strand). Cytogenetic location: 11q13.1.
Variant type: Indel.
Coding change: c.-7-1_-7delinsAT on transcript NM_016938.5 (MANE Select); the canonical splice acceptor site of the intron before 7 bases upstream of the start codon through 7 bases upstream of the start codon, GC replaced by AT.
Molecular consequence: splice acceptor variant.
Genome position (GRCh38, 1-based): chr11:65,872,361-65,872,362, GC replaced by AT on the plus strand (GC replaced by AT on the coding strand, the reverse complement: EFEMP2 is on the minus strand). VCF-style: chr11-65872361-GC-AT. GRCh37 (hg19) VCF-style: chr11-65639832-GC-AT.
Identifiers: ClinVar variation 2501223 (VCV002501223.1), dbSNP rs2495583852, ClinGen allele CA2580615830.